The following is an entry in ClinVar:

NM_024408.4(NOTCH2):c.4424A>T (p.Tyr1475Phe)

Gene: NOTCH2 (notch receptor 2; minus strand). Cytogenetic location: 1p12.
Variant type: single nucleotide variant.
Coding change: c.4424A>T on transcript NM_024408.4 (MANE Select); coding-DNA position 4424, A replaced by T.
Protein change: p.Tyr1475Phe; replaces tyrosine 1475 with phenylalanine.
Molecular consequence: missense variant.
Genome position (GRCh38, 1-based): chr1:119,925,392, T>A on the plus strand (A>T on the coding strand, the complement: NOTCH2 is on the minus strand). VCF-style: chr1-119925392-T-A. GRCh37 (hg19) VCF-style: chr1-120468015-T-A.
Other names: c.4424A>T (NM_024408.3); short protein forms Y1475F.
Identifiers: ClinVar variation 2743896 (VCV002743896.4), dbSNP rs751003534, ClinGen allele CA1039863.

ClinVar aggregate classification (germline): Conflicting classifications of pathogenicity. Review status: criteria provided, conflicting classifications (1 of 4 stars). 2 submissions from 2 submitters: Uncertain significance (1); Likely benign (1). Last evaluated 2025-11-22.

Conditions:
Inborn genetic diseases. Identifiers: MedGen C0950123, MeSH D030342.
Hajdu-Cheney syndrome (HJCYS). Also called: SERPENTINE FIBULA-POLYCYSTIC KIDNEY SYNDROME; Acroosteolysis dominant type; ACROOSTEOLYSIS WITH OSTEOPOROSIS AND CHANGES IN SKULL AND MANDIBLE. Identifiers: Orphanet 955, MedGen C0917715, MONDO:0007057, OMIM 102500.

Allele frequency attached by ClinVar (database versions not stated): ExAC 0.00003; TOPMed 0.00001.
gnomAD v4.1: 8 of 1,614,176 alleles (0.0005%); highest among the groups gnomAD compares: Admixed American, 0.013%; no homozygotes.

Submissions (2):

Labcorp Genetics (formerly Invitae), Labcorp
Classification: Uncertain significance for Hajdu-Cheney syndrome. Last evaluated: 2025-11-22. Review status: criteria provided, single submitter. Criteria: Invitae Variant Classification Sherloc (09022015). Collection method: clinical testing. Allele origin: germline.
Comment: This sequence change replaces tyrosine, which is neutral and polar, with phenylalanine, which is neutral and non-polar, at codon 1475 of the NOTCH2 protein (p.Tyr1475Phe). This variant is present in population databases (rs751003534, gnomAD 0.02%). This variant has not been reported in the literature in individuals affected with NOTCH2-related conditions. ClinVar contains an entry for this variant (Variation ID: 2743896). Invitae Evidence Modeling of protein sequence and biophysical properties (such as structural, functional, and spatial information, amino acid conservation, physicochemical variation, residue mobility, and thermodynamic stability) indicates that this missense variant is not expected to disrupt NOTCH2 protein function with a negative predictive value of 80%. In summary, the available evidence is currently insufficient to determine the role of this variant in disease. Therefore, it has been classified as a Variant of Uncertain Significance.

Ambry Genetics
Classification: Likely benign for Inborn genetic diseases. Last evaluated: 2025-01-21. Review status: criteria provided, single submitter. Criteria: Ambry Variant Classification Scheme 2023. Collection method: clinical testing. Allele origin: germline.